The following is an entry in ClinVar:

ClinVar aggregate classification (germline): Likely benign (0 of 4 stars; one submission).

Conditions:
PPP2R3A-related disorder. Also called: PPP2R3A-related condition.

Allele frequency attached by ClinVar (database versions not stated): gnomAD exomes 0.00004; 1000 Genomes Project 30x 0.00016; ExAC 0.00018; 1000 Genomes Project 0.00020; TOPMed 0.00033; gnomAD 0.00034; ESP Exome Variant Server 0.00054.
gnomAD v4.1: 125 of 1,613,534 alleles (0.0077%); highest among the groups gnomAD compares: African/African-American, 0.11%; 1 homozygote.

Submission:

PreventionGenetics, part of Exact Sciences
Classification: Likely benign for PPP2R3A-related condition. Last evaluated: 2019-09-18. Review status: no assertion criteria provided. Collection method: clinical testing. Allele origin: germline.
Comment: This variant is classified as likely benign based on ACMG/AMP sequence variant interpretation guidelines (Richards et al. 2015 PMID: 25741868, with internal and published modifications).

NM_002718.5(PPP2R3A):c.2109G>A (p.Ala703=)

Gene: PPP2R3A (protein phosphatase 2 regulatory subunit B''alpha; plus strand). Cytogenetic location: 3q22.3.
Variant type: single nucleotide variant.
Coding change: c.2109G>A on transcript NM_002718.5 (MANE Select); coding-DNA position 2109, G replaced by A.
Protein change: p.Ala703=; no amino-acid change (alanine 703 retained).
Molecular consequence: synonymous variant. On other transcripts: 5 prime UTR variant (1).
Genome position (GRCh38, 1-based): chr3:136,026,945, G>A. VCF-style: chr3-136026945-G-A. GRCh37 (hg19) VCF-style: chr3-135745787-G-A.
Other names: c.-100G>A (NM_001190447.2); c.246G>A, p.Ala82= (NM_181897.3).
Identifiers: ClinVar variation 3041093 (VCV003041093.2), dbSNP rs113078246, ClinGen allele CA2630761.